The following is an entry in ClinVar:

NM_000518.5(HBB):c.251G>A (p.Gly84Asp)

Genes: HBB (hemoglobin subunit beta; minus strand), LOC106099062 (HBB recombination region; plus strand), LOC107133510 (origin of replication at HBB; plus strand). Cytogenetic location: 11p15.4.
Variant type: single nucleotide variant.
Coding change: c.251G>A on transcript NM_000518.5 (MANE Select); coding-DNA position 251, G replaced by A.
Protein change: p.Gly84Asp; replaces glycine 84 with aspartic acid.
Molecular consequence: missense variant.
Genome position (GRCh38, 1-based): chr11:5,226,641, C>T on the plus strand (G>A on the coding strand, the complement: HBB is on the minus strand). VCF-style: chr11-5226641-C-T. GRCh37 (hg19) VCF-style: chr11-5247871-C-T.
Other names: G83D; Hb Pyrgos; Hb Mizunami; short protein forms G84D.
Identifiers: ClinVar variation 15320 (VCV000015320.14), dbSNP rs1803195, ClinGen allele CA125116.
Genomic context (GRCh38, chr11:5,226,641, plus strand): 5'-AAGTTCTCAGGATCCACGTGCAGCTTGTCACAGTGCAGCTCACTCAGTGTGGCAAAGGTG[C>T]CCTTGAGGTTGTCCAGGTGAGCCAGGCCATCACTAAAGGCACCGAGCACTTTCTTGCCAT-3'
Protein context (NP_000509.1, residues 74-94): DGLAHLDNLK[Gly84Asp]TFATLSELHC

ClinVar aggregate classification (germline): Conflicting classifications of pathogenicity. Review status: criteria provided, conflicting classifications (1 of 4 stars). 3 submissions from 3 submitters: Uncertain significance (1); Likely benign (1). 1 of the submissions does not count toward it. Last evaluated 2024-05-13.

Conditions:
HEMOGLOBIN PYRGOS.

Allele frequency attached by ClinVar (database versions not stated): gnomAD exomes below 0.00001; ExAC 0.00001.
gnomAD v4.1: 1 of 1,614,092 alleles (0.000062%); highest among the groups gnomAD compares: South Asian, 0.0011%; no homozygotes.

Submissions (3):

Women's Health and Genetics/Laboratory Corporation of America, LabCorp
Classification: Uncertain significance. Last evaluated: 2024-05-13. Review status: criteria provided, single submitter. Criteria: LabCorp Variant Classification Summary - May 2015. Collection method: clinical testing. Allele origin: germline.
Comment: Variant summary: HBB c.251G>A (p.Gly84Asp) results in a non-conservative amino acid change located in the Globin domain (IPR000971) of the encoded protein sequence. Three of five in-silico tools predict a damaging effect of the variant on protein function. The variant allele was found at a frequency of 4e-06 in 251428 control chromosomes. The available data on variant occurrences in the general population are insufficient to allow any conclusion about variant significance. c.251G>A has been reported in the literature in compound heterozygous individuals with Thalassemia-trait level hemoglobin parameters (examples: Tatsis_1976, Sawangareetrakul_2002, Fucharoen_2005, Uaprasert_2009). The variant was also reported in heterozygous patients with normal hemoglobin parameters and/or no clinical presentation (Yamada_1977, Colah_2016). Additionally, the variant was reported in a case of atypical Hb H disease who carried Hb Constant Spring and a-thalassemia 1 (SEA deletion), along with c.251G>A (Jetsrisuparb_2002). The patients sister who also carried all three variants had no symptoms of anemia. All the clinical evidence reported indicates the variant is not a major contributor to the patients' phenotype. To our knowledge, no experimental evidence demonstrating an impact on protein function has been reported. The following publications have been ascertained in the context of this evaluation (PMID: 27408413, 15938724, 11843288, 30489691, 546674, 20838957, 12144064, 1260137, 19460936, 19440680, 35023007, 893127). ClinVar contains an entry for this variant (Variation ID: 15320). Based on the evidence outlined above, the variant was classified as uncertain significance.

ARUP Laboratories, Molecular Genetics and Genomics, ARUP Laboratories
Classification: Likely benign. Last evaluated: 2019-12-23. Review status: criteria provided, single submitter. Criteria: ARUP Molecular Germline Variant Investigation Process. Collection method: clinical testing. Allele origin: germline.

OMIM
Classification: other for HEMOGLOBIN PYRGOS. Last evaluated: 2017-12-12. Review status: no assertion criteria provided. Collection method: literature only. Allele origin: germline. Not counted in ClinVar's aggregate classification.

Literature cited by the submitters: PubMed 12144064 (cited by Women's Health and Genetics/Laboratory Corporation of America, LabCorp); PubMed 1260137 (cited by Women's Health and Genetics/Laboratory Corporation of America, LabCorp); PubMed 19460936 (cited by Women's Health and Genetics/Laboratory Corporation of America, LabCorp); PubMed 19440680 (cited by Women's Health and Genetics/Laboratory Corporation of America, LabCorp); PubMed 20838957 (cited by Women's Health and Genetics/Laboratory Corporation of America, LabCorp); PubMed 15938724 (cited by Women's Health and Genetics/Laboratory Corporation of America, LabCorp); PubMed 11843288 (cited by Women's Health and Genetics/Laboratory Corporation of America, LabCorp); PubMed 546674 (cited by Women's Health and Genetics/Laboratory Corporation of America, LabCorp); PubMed 893127 (cited by Women's Health and Genetics/Laboratory Corporation of America, LabCorp and OMIM); PubMed 35023007 (cited by Women's Health and Genetics/Laboratory Corporation of America, LabCorp); PubMed 27408413 (cited by Women's Health and Genetics/Laboratory Corporation of America, LabCorp); PubMed 30489691 (cited by Women's Health and Genetics/Laboratory Corporation of America, LabCorp); Tatsis, B., Sofroniadou, K., Stergiopoulos, K. Hemoglobin Pyrgos (beta 83 gly-to-asp): a new hemoglobin variant. (Abstract) Meeting of the American Society of Hematology, Hollywood, Florida, December 1972. (cited by OMIM); PubMed 1802885 (cited by OMIM).